The following is an entry in ClinVar:

NM_001127222.2(CACNA1A):c.7133A>C (p.Glu2378Ala)

Gene: CACNA1A (calcium voltage-gated channel subunit alpha1 A; minus strand). Cytogenetic location: 19p13.13.
Variant type: single nucleotide variant.
Coding change: c.7133A>C on transcript NM_001127222.2 (MANE Select); coding-DNA position 7133, A replaced by C.
Protein change: p.Glu2378Ala; replaces glutamic acid 2378 with alanine.
Molecular consequence: missense variant. On other transcripts: 3 prime UTR variant (3).
Genome position (GRCh38, 1-based): chr19:13,207,701, T>G on the plus strand (A>C on the coding strand, the complement: CACNA1A is on the minus strand). VCF-style: chr19-13207701-T-G. GRCh37 (hg19) VCF-style: chr19-13318515-T-G.
Other names: c.*345A>C (NM_000068.4, NM_001127221.2, NM_001174080.2); c.7151A>C, p.Glu2384Ala (NM_023035.3); short protein forms E2378A, E2384A.
Identifiers: ClinVar variation 3341430 (VCV003341430.1).

ClinVar aggregate classification (germline): Uncertain significance (1 of 4 stars; one submission).

Conditions:
Developmental and epileptic encephalopathy, 42 (DEE42A). Also called: Epileptic encephalopathy, early infantile, 42; DEVELOPMENTAL AND EPILEPTIC ENCEPHALOPATHY 42A; EPILEPTIC ENCEPHALOPATHY, EARLY INFANTILE, 42A. Identifiers: MedGen C4310716, MONDO:0014917, OMIM 617106.

Submission:

Neuberg Centre For Genomic Medicine, NCGM
Classification: Uncertain significance for Developmental and epileptic encephalopathy, 42. Last evaluated: 2023-05-20. Review status: criteria provided, single submitter. Criteria: ACMG Guidelines, 2015. Collection method: clinical testing. Allele origin: germline. Inheritance: Autosomal dominant inheritance. Affected: yes.
Comment: The observed missense c.7133A>C(p.Glu2378Ala) variant in CACNA1A gene has not been reported previously as a pathogenic variant nor a benign variant, to our knowledge. The p.Glu2378Ala variant is absent in gnomAD Exomes. This variant has not been submitted to the ClinVar database. Computational evidences (SIFT - Tolerated and MutationTaster - Disease causing) predict conflicting evidence on protein structure and function for this variant. The amino acid change p.Glu2378Ala in CACNA1A is predicted as conserved by GERP++ and PhyloP across 100 vertebrates. The amino acid Glu at position 2378 is changed to a Ala changing protein sequence and it might alter its composition and physico-chemical properties. For these reasons, this variant has been classified as a Variant of Uncertain Significance (VUS).